The following is an entry in ClinVar:

ClinVar aggregate classification (germline): Conflicting classifications of pathogenicity. Review status: criteria provided, conflicting classifications (1 of 4 stars). 2 submissions from 2 submitters: Uncertain significance (1); Likely benign (1). Last evaluated 2025-01-29.

Conditions:
Menke-Hennekam syndrome 1 (MKHK1). Identifiers: MedGen C5193034, MONDO:0020763, OMIM 618332.
Rubinstein-Taybi syndrome due to CREBBP mutations (RSTS1). Also called: RUBINSTEIN-TAYBI SYNDROME 1, INCOMPLETE; BROAD THUMB-HALLUX SYNDROME; RUBINSTEIN SYNDROME; BROAD THUMBS AND GREAT TOES, CHARACTERISTIC FACIES, AND IMPAIRED INTELLECTUAL DEVELOPMENT; Rubinstein-Taybi syndrome 1; CREBBP-Related Rubinstein-Taybi Syndrome. Identifiers: Orphanet 353277, Orphanet 783, MedGen C4551859, MONDO:0008393, OMIM 180849.
CREBBP-related disorder. Also called: CREBBP-related disorders; CREBBP-related condition.

Submissions (2):

PreventionGenetics, part of Exact Sciences
Classification: Likely benign for CREBBP-related condition. Last evaluated: 2025-01-29. Review status: criteria provided, single submitter. Criteria: ACMG Guidelines, 2015. Collection method: clinical testing. Allele origin: germline.
Comment: This variant is classified as likely benign based on ACMG/AMP sequence variant interpretation guidelines (Richards et al. 2015 PMID: 25741868, with internal and published modifications).

Fulgent Genetics
Classification: Uncertain significance for Rubinstein-Taybi syndrome due to CREBBP mutations; Menke-Hennekam syndrome 1. Last evaluated: 2024-04-01. Review status: criteria provided, single submitter. Criteria: ACMG Guidelines, 2015. Collection method: clinical testing. Allele origin: germline.

NM_004380.3(CREBBP):c.1823+7A>C

Gene: CREBBP (CREB binding lysine acetyltransferase; minus strand). Cytogenetic location: 16p13.3.
Variant type: single nucleotide variant.
Coding change: c.1823+7A>C on transcript NM_004380.3 (MANE Select); 7 bases into the intron after coding-DNA position 1823, A replaced by C.
Molecular consequence: intron variant.
Genome position (GRCh38, 1-based): chr16:3,780,725, T>G on the plus strand (A>C on the coding strand, the complement: CREBBP is on the minus strand). VCF-style: chr16-3780725-T-G. GRCh37 (hg19) VCF-style: chr16-3830726-T-G.
Other names: c.1823+7A>C (NM_004380.2); c.1709+7A>C (NM_001079846.1).
Identifiers: ClinVar variation 3580654 (VCV003580654.2).